The following is an entry in ClinVar:

NM_001018115.3(FANCD2):c.4214A>T (p.Gln1405Leu)

Genes: FANCD2 (FA complementation group D2; plus strand), FANCD2OS (FANCD2 opposite strand; minus strand). Cytogenetic location: 3p25.3.
Variant type: single nucleotide variant.
Coding change: c.4214A>T on transcript NM_001018115.3 (MANE Select); coding-DNA position 4214, A replaced by T.
Protein change: p.Gln1405Leu; replaces glutamine 1405 with leucine.
Molecular consequence: missense variant. On other transcripts: intron variant (1).
Genome position (GRCh38, 1-based): chr3:10,098,748, A>T. VCF-style: chr3-10098748-A-T. GRCh37 (hg19) VCF-style: chr3-10140432-A-T.
Other names: c.4214A>T, p.Gln1405Leu (NM_001319984.2, NM_033084.6); c.4103A>T, p.Gln1368Leu (NM_001374253.1); c.4175A>T, p.Gln1392Leu (NM_001374254.1); c.*43+5450T>A (NM_173472.2); short protein forms Q1368L, Q1392L, Q1405L.
Identifiers: ClinVar variation 1001413 (VCV001001413.31), dbSNP rs746871581, ClinGen allele CA2250656.

ClinVar aggregate classification (germline): Conflicting classifications of pathogenicity. Review status: criteria provided, conflicting classifications (1 of 4 stars). 4 submissions from 4 submitters: Uncertain significance (3); Likely benign (1). Last evaluated 2026-01-01.

Conditions:
Fanconi anemia complementation group D2. Also called: FANCD2-Related Fanconi Anemia; FANCONI PANCYTOPENIA, TYPE 4; FANCONI ANEMIA, COMPLEMENTATION GROUP D. Identifiers: Orphanet 84, MedGen C3160738, MONDO:0009214, OMIM 227646.
Fanconi anemia (FA). Also called: Fanconi's anemia. Identifiers: Orphanet 84, MedGen C0015625, MeSH D005199, MONDO:0019391.

Allele frequency attached by ClinVar (database versions not stated): ExAC 0.00001; TOPMed 0.00002; gnomAD exomes 0.00003.
gnomAD v4.1: 51 of 1,614,086 alleles (0.0032%); highest among the groups gnomAD compares: Non-Finnish European, 0.004%; 1 homozygote.

Submissions (4):

CeGaT Center for Human Genetics Tuebingen
Classification: Likely benign. Last evaluated: 2026-01-01. Review status: criteria provided, single submitter. Criteria: CeGaT Center For Human Genetics Tuebingen Variant Classification Criteria Version 2. Collection method: clinical testing. Allele origin: germline. Affected: yes. Observed: 2 variant alleles.
Comment: FANCD2: BP4

Labcorp Genetics (formerly Invitae), Labcorp
Classification: Uncertain significance for Fanconi anemia. Last evaluated: 2024-11-27. Review status: criteria provided, single submitter. Criteria: Invitae Variant Classification Sherloc (09022015). Collection method: clinical testing. Allele origin: germline.
Comment: This sequence change replaces glutamine, which is neutral and polar, with leucine, which is neutral and non-polar, at codon 1405 of the FANCD2 protein (p.Gln1405Leu). This variant is present in population databases (rs746871581, gnomAD 0.006%), including at least one homozygous and/or hemizygous individual. This variant has not been reported in the literature in individuals affected with FANCD2-related conditions. ClinVar contains an entry for this variant (Variation ID: 1001413). Invitae Evidence Modeling of protein sequence and biophysical properties (such as structural, functional, and spatial information, amino acid conservation, physicochemical variation, residue mobility, and thermodynamic stability) indicates that this missense variant is expected to disrupt FANCD2 protein function with a positive predictive value of 80%. In summary, the available evidence is currently insufficient to determine the role of this variant in disease. Therefore, it has been classified as a Variant of Uncertain Significance.

Fulgent Genetics
Classification: Uncertain significance for Fanconi anemia complementation group D2. Last evaluated: 2024-01-29. Review status: criteria provided, single submitter. Criteria: ACMG Guidelines, 2015. Collection method: clinical testing. Allele origin: germline.

GeneDx
Classification: Uncertain significance. Last evaluated: 2022-06-07. Review status: criteria provided, single submitter. Criteria: GeneDx Variant Classification Process June 2021. Collection method: clinical testing. Allele origin: germline. Affected: yes.
Comment: In silico analysis supports that this missense variant has a deleterious effect on protein structure/function; Has not been previously published as a germline pathogenic or benign to our knowledge; This variant is associated with the following publications: (PMID: 26497743)